The following is an entry in ClinVar:

ClinVar aggregate classification (germline): Likely benign (0 of 4 stars; one submission).

Conditions:
KRT75-related disorder. Also called: KRT75-related condition.

Allele frequency attached by ClinVar (database versions not stated): gnomAD exomes 0.00001; ExAC 0.00005.
gnomAD v4.1: 23 of 1,612,816 alleles (0.0014%); highest among the groups gnomAD compares: Non-Finnish European, 0.0017%; no homozygotes.

Submission:

PreventionGenetics, part of Exact Sciences
Classification: Likely benign for KRT75-related condition. Last evaluated: 2019-09-06. Review status: no assertion criteria provided. Collection method: clinical testing. Allele origin: germline.
Comment: This variant is classified as likely benign based on ACMG/AMP sequence variant interpretation guidelines (Richards et al. 2015 PMID: 25741868, with internal and published modifications).

NM_004693.3(KRT75):c.1162-9T>C

Gene: KRT75 (keratin 75; minus strand). Cytogenetic location: 12q13.13.
Variant type: single nucleotide variant.
Coding change: c.1162-9T>C on transcript NM_004693.3 (MANE Select); 9 bases into the intron before coding-DNA position 1162, T replaced by C.
Molecular consequence: intron variant.
Genome position (GRCh38, 1-based): chr12:52,428,485, A>G on the plus strand (T>C on the coding strand, the complement: KRT75 is on the minus strand). VCF-style: chr12-52428485-A-G. GRCh37 (hg19) VCF-style: chr12-52822269-A-G.
Identifiers: ClinVar variation 3053099 (VCV003053099.2), dbSNP rs778505450, ClinGen allele CA6579855.